The following is an entry in ClinVar:

NM_004446.3(EPRS1):c.859G>A (p.Gly287Arg)

Gene: EPRS1 (glutamyl-prolyl-tRNA synthetase 1; minus strand). Cytogenetic location: 1q41.
Variant type: single nucleotide variant.
Coding change: c.859G>A on transcript NM_004446.3 (MANE Select); coding-DNA position 859, G replaced by A.
Protein change: p.Gly287Arg; replaces glycine 287 with arginine.
Molecular consequence: missense variant.
Genome position (GRCh38, 1-based): chr1:220,024,348, C>T on the plus strand (G>A on the coding strand, the complement: EPRS1 is on the minus strand). VCF-style: chr1-220024348-C-T. GRCh37 (hg19) VCF-style: chr1-220197690-C-T.
Other names: short protein forms G287R.
Identifiers: ClinVar variation 1680999 (VCV001680999.7), dbSNP rs199973793, ClinGen allele CA1400436.

ClinVar aggregate classification (germline): Uncertain significance (1 of 4 stars; one submission).

Allele frequency attached by ClinVar (database versions not stated): ExAC 0.00001; TOPMed 0.00001; gnomAD exomes 0.00003.
gnomAD v4.1: 49 of 1,613,486 alleles (0.003%); highest among the groups gnomAD compares: Non-Finnish European, 0.0036%; no homozygotes.

Submission:

Labcorp Genetics (formerly Invitae), Labcorp
Classification: Uncertain significance. Last evaluated: 2022-11-08. Review status: criteria provided, single submitter. Criteria: Invitae Variant Classification Sherloc (09022015). Collection method: clinical testing. Allele origin: germline.
Comment: This sequence change replaces glycine, which is neutral and non-polar, with arginine, which is basic and polar, at codon 287 of the EPRS protein (p.Gly287Arg). This variant is present in population databases (rs199973793, gnomAD 0.005%). This variant has not been reported in the literature in individuals affected with EPRS-related conditions. ClinVar contains an entry for this variant (Variation ID: 1680999). Algorithms developed to predict the effect of missense changes on protein structure and function are either unavailable or do not agree on the potential impact of this missense change (SIFT: "Deleterious"; PolyPhen-2: "Probably Damaging"; Align-GVGD: "Class C0"). In summary, the available evidence is currently insufficient to determine the role of this variant in disease. Therefore, it has been classified as a Variant of Uncertain Significance.